The following is an entry in ClinVar:

NM_014727.3(KMT2B):c.6866del (p.Pro2289fs)

Gene: KMT2B (lysine methyltransferase 2B; plus strand). Cytogenetic location: 19q13.12.
Variant type: Deletion.
Coding change: c.6866del on transcript NM_014727.3 (MANE Select); coding-DNA position 6866, one base deleted (C; older notation c.6866delC).
Protein change: p.Pro2289fs; shifts the reading frame from proline 2289.
Molecular consequence: frameshift variant.
Genome position (GRCh38, 1-based): chr19:35,733,415, C deleted; the last of 4 consecutive C bases (chr19:35,733,412-35,733,415); deleting any one gives the same sequence. VCF-style (leftmost placement, unchanged base first): chr19-35733411-TC-T. GRCh37 (hg19) VCF-style: chr19-36224312-TC-T.
Other names: short protein forms P2289fs.
Identifiers: ClinVar variation 2099156 (VCV002099156.4), dbSNP rs2513356252, ClinGen allele CA2580096841.

ClinVar aggregate classification (germline): Pathogenic (1 of 4 stars; one submission).

Submission:

Labcorp Genetics (formerly Invitae), Labcorp
Classification: Pathogenic. Last evaluated: 2022-05-14. Review status: criteria provided, single submitter. Criteria: Invitae Variant Classification Sherloc (09022015). Collection method: clinical testing. Allele origin: germline.
Comment: This sequence change creates a premature translational stop signal (p.Pro2289Argfs*36) in the KMT2B gene. It is expected to result in an absent or disrupted protein product. Loss-of-function variants in KMT2B are known to be pathogenic (PMID: 27839873, 27992417). This variant is not present in population databases (gnomAD no frequency). This premature translational stop signal has been observed in individual(s) with dystonia (PMID: 32634684). In at least one individual the variant was observed to be de novo. For these reasons, this variant has been classified as Pathogenic.

Literature cited by the submitters: PubMed 27839873; PubMed 27992417; PubMed 32634684.